The following is an entry in ClinVar:

ClinVar aggregate classification (germline): Likely benign. Review status: criteria provided, single submitter (1 of 4 stars). 2 submissions from 2 submitters: Likely benign (1). 1 of the submissions does not count toward it. Last evaluated 2025-10-01.

Conditions:
LAMA5-related disorder. Also called: LAMA5-Related Disorders; LAMA5-related condition.

Allele frequency attached by ClinVar (database versions not stated): 1000 Genomes Project 0.00020; TOPMed 0.00020; 1000 Genomes Project 30x 0.00031; ESP Exome Variant Server 0.00008; ExAC 0.00041.
gnomAD v4.1: 344 of 1,521,512 alleles (0.023%); highest among the groups gnomAD compares: Middle Eastern, 0.13%; no homozygotes.

Submissions (2):

Labcorp Genetics (formerly Invitae), Labcorp
Classification: Likely benign. Last evaluated: 2025-10-01. Review status: criteria provided, single submitter. Criteria: Invitae Variant Classification Sherloc (09022015). Collection method: clinical testing. Allele origin: germline.

PreventionGenetics, part of Exact Sciences
Classification: Likely benign for LAMA5-related condition. Last evaluated: 2019-08-30. Review status: no assertion criteria provided. Collection method: clinical testing. Allele origin: germline. Not counted in ClinVar's aggregate classification.
Comment: This variant is classified as likely benign based on ACMG/AMP sequence variant interpretation guidelines (Richards et al. 2015 PMID: 25741868, with internal and published modifications).

NM_005560.6(LAMA5):c.3177C>T (p.Ala1059=)

Gene: LAMA5 (laminin subunit alpha 5; minus strand). Cytogenetic location: 20q13.33.
Variant type: single nucleotide variant.
Coding change: c.3177C>T on transcript NM_005560.6 (MANE Select); coding-DNA position 3177, C replaced by T.
Protein change: p.Ala1059=; no amino-acid change (alanine 1059 retained).
Molecular consequence: synonymous variant.
Genome position (GRCh38, 1-based): chr20:62,333,195, G>A on the plus strand (C>T on the coding strand, the complement: LAMA5 is on the minus strand). VCF-style: chr20-62333195-G-A. GRCh37 (hg19) VCF-style: chr20-60908251-G-A.
Identifiers: ClinVar variation 3052375 (VCV003052375.4), dbSNP rs200322088, ClinGen allele CA9943114.